The following is an entry in ClinVar:

ClinVar aggregate classification (germline): Uncertain significance (1 of 4 stars; one submission).

Submission:

Ambry Genetics
Classification: Uncertain significance. Last evaluated: 2024-11-22. Review status: criteria provided, single submitter. Criteria: Ambry Variant Classification Scheme 2023. Collection method: clinical testing. Allele origin: germline.
Comment: The p.T1427S variant (also known as c.4279A>T), located in coding exon 19 of the WNK2 gene, results from an A to T substitution at nucleotide position 4279. The threonine at codon 1427 is replaced by serine, an amino acid with similar properties. This amino acid position is conserved. In addition, this alteration is predicted to be tolerated by in silico analysis. Based on the available evidence, the clinical significance of this variant remains unclear.

NM_006648.4(WNK2):c.4279A>T (p.Thr1427Ser)

Gene: WNK2 (WNK lysine deficient protein kinase 2; plus strand). Cytogenetic location: 9q22.31.
Variant type: single nucleotide variant.
Coding change: c.4279A>T on transcript NM_006648.4 (MANE Select); coding-DNA position 4279, A replaced by T.
Protein change: p.Thr1427Ser; replaces threonine 1427 with serine.
Molecular consequence: missense variant.
Genome position (GRCh38, 1-based): chr9:93,289,033, A>T. VCF-style: chr9-93289033-A-T. GRCh37 (hg19) VCF-style: chr9-96051315-A-T.
Other names: c.4390A>T, p.Thr1464Ser (NM_001282394.3); short protein forms T1427S, T1464S.
Identifiers: ClinVar variation 3470300 (VCV003470300.1).